The following is an entry in ClinVar:

NM_145117.5(NAV2):c.39A>C (p.Gly13=)

Genes: LEISA1 (lncRNA enhancing IL-6/STAT3 signaling activation 1; minus strand), NAV2 (neuron navigator 2; plus strand). Cytogenetic location: 11p15.1.
Variant type: single nucleotide variant.
Coding change: c.39A>C on transcript NM_145117.5 (MANE Select); coding-DNA position 39, A replaced by C.
Protein change: p.Gly13=; no amino-acid change (glycine 13 retained).
Molecular consequence: synonymous variant. On other transcripts: non-coding transcript variant (1), intron variant (1).
Genome position (GRCh38, 1-based): chr11:19,713,734, A>C. VCF-style: chr11-19713734-A-C. GRCh37 (hg19) VCF-style: chr11-19735280-A-C.
Other names: c.39A>C, p.Gly13= (NM_001244963.2, NM_182964.6); c.76-118750A>C (NM_001111018.2).
Identifiers: ClinVar variation 2641676 (VCV002641676.25), dbSNP rs146393896, ClinGen allele CA5917399.
Genomic context (GRCh38, chr11:19,713,734, plus strand): 5'-AAAGCCCAAGCCCCGGGAGAAGATGCCGGCCATCCTGGTCGCCTCCAAAATGAAGTCGGG[A>C]CTGCCCAAACCCGTGCACAGCGCCGCGCCCATCCTGCACGTGCCCCCGGCCCGGGCGGGC-3'
Protein context (NP_660093.2, residues 3-23): AILVASKMKS[Gly13=]LPKPVHSAAP

ClinVar aggregate classification (germline): Likely benign. Review status: criteria provided, single submitter (1 of 4 stars). 2 submissions from 2 submitters: Likely benign (1). 1 of the submissions does not count toward it. Last evaluated 2024-02-01.

Conditions:
NAV2-related disorder. Also called: NAV2-related condition.

Allele frequency attached by ClinVar (database versions not stated): 1000 Genomes Project 0.00120; 1000 Genomes Project 30x 0.00156; ExAC 0.00252; gnomAD 0.00253; TOPMed 0.00264; ESP Exome Variant Server 0.00370.
gnomAD v4.1: 6,585 of 1,595,400 alleles (0.41%); highest among the groups gnomAD compares: Non-Finnish European, 0.54%; 20 homozygotes.

Submissions (2):

CeGaT Center for Human Genetics Tuebingen
Classification: Likely benign. Last evaluated: 2024-02-01. Review status: criteria provided, single submitter. Criteria: CeGaT Center For Human Genetics Tuebingen Variant Classification Criteria Version 2. Collection method: clinical testing. Allele origin: germline. Affected: yes. Observed: 3 variant alleles.
Comment: NAV2: BP4, BP7, BS2

PreventionGenetics, part of Exact Sciences
Classification: Likely benign for NAV2-related condition. Last evaluated: 2019-10-30. Review status: no assertion criteria provided. Collection method: clinical testing. Allele origin: germline. Not counted in ClinVar's aggregate classification.
Comment: This variant is classified as likely benign based on ACMG/AMP sequence variant interpretation guidelines (Richards et al. 2015 PMID: 25741868, with internal and published modifications).